The following is an entry in ClinVar:

NM_004064.5(CDKN1B):c.17T>C (p.Val6Ala)

Gene: CDKN1B (cyclin dependent kinase inhibitor 1B; plus strand). Cytogenetic location: 12p13.1.
Variant type: single nucleotide variant.
Coding change: c.17T>C on transcript NM_004064.5 (MANE Select); coding-DNA position 17, T replaced by C.
Protein change: p.Val6Ala; replaces valine 6 with alanine.
Molecular consequence: missense variant.
Genome position (GRCh38, 1-based): chr12:12,717,856, T>C. VCF-style: chr12-12717856-T-C. GRCh37 (hg19) VCF-style: chr12-12870790-T-C.
Other names: short protein forms V6A.
Identifiers: ClinVar variation 853264 (VCV000853264.9), dbSNP rs1946485641, ClinGen allele CA383967932.

ClinVar aggregate classification (germline): Uncertain significance (1 of 4 stars; one submission).

Conditions:
Multiple endocrine neoplasia type 4. Also called: MULTIPLE ENDOCRINE NEOPLASIA, TYPE IV. Identifiers: Orphanet 276152, MedGen C1970712, MONDO:0012552, OMIM 610755.

Submission:

Labcorp Genetics (formerly Invitae), Labcorp
Classification: Uncertain significance for Multiple endocrine neoplasia type 4. Last evaluated: 2024-05-07. Review status: criteria provided, single submitter. Criteria: Invitae Variant Classification Sherloc (09022015). Collection method: clinical testing. Allele origin: germline.
Comment: This sequence change replaces valine, which is neutral and non-polar, with alanine, which is neutral and non-polar, at codon 6 of the CDKN1B protein (p.Val6Ala). This variant is not present in population databases (gnomAD no frequency). This variant has not been reported in the literature in individuals affected with CDKN1B-related conditions. ClinVar contains an entry for this variant (Variation ID: 853264). An algorithm developed to predict the effect of missense changes on protein structure and function (PolyPhen-2) suggests that this variant is likely to be tolerated. In summary, the available evidence is currently insufficient to determine the role of this variant in disease. Therefore, it has been classified as a Variant of Uncertain Significance.